The following is an entry in ClinVar:

ClinVar aggregate classification (germline): Uncertain significance. Review status: criteria provided, multiple submitters, no conflicts (2 of 4 stars). 3 submissions from 2 submitters: Uncertain significance (3). Last evaluated 2025-11-07.

Conditions:
Waardenburg syndrome type 2A (WS2A). Also called: WAARDENBURG SYNDROME WITHOUT DYSTOPIA CANTHORUM. Identifiers: Orphanet 3440, MedGen C1860339, MONDO:0008671, OMIM 193510.
Tietz syndrome (TADS). Also called: TIETZ ALBINISM-DEAFNESS SYNDROME; ALBINISM-DEAFNESS OF TIETZ; HYPOPIGMENTATION/DEAFNESS OF TIETZ. Identifiers: Orphanet 42665, MedGen C0391816, MONDO:0007077, OMIM 103500.

Allele frequency attached by ClinVar (database versions not stated): gnomAD 0.00011 and 0.00010; gnomAD exomes 0.00012; TOPMed 0.00013.
gnomAD v4.1: 26 of 233,464 alleles (0.011%); highest among the groups gnomAD compares: Middle Eastern, 0.12%; no homozygotes.

Submissions (3):

Dasa
Classification: Uncertain significance. Last evaluated: 2025-11-07. Review status: criteria provided, single submitter. Criteria: DASA Assertion Criteria. Collection method: clinical testing. Allele origin: germline.
Comment: NM_001354604.2(MITF):c.*2753T>C is a sequence variant. This variant is rare in population databases. The currently available literature and clinical evidence are not sufficient to establish a definitive association between this variant and the reported condition. Therefore, this variant is classified as a variant of uncertain significance.

Illumina Laboratory Services, Illumina
Classification: Uncertain significance for Tietz syndrome. Last evaluated: 2018-01-13. Review status: criteria provided, single submitter. Criteria: ICSL Variant Classification Criteria 13 December 2019. Collection method: clinical testing. Allele origin: germline.

Illumina Laboratory Services, Illumina
Classification: Uncertain significance for Waardenburg syndrome type 2A. Last evaluated: 2018-01-13. Review status: criteria provided, single submitter. Criteria: ICSL Variant Classification Criteria 13 December 2019. Collection method: clinical testing. Allele origin: germline.

NM_001354604.2(MITF):c.*2753T>C

Gene: MITF (melanocyte inducing transcription factor; plus strand). Cytogenetic location: 3p13.
Variant type: single nucleotide variant.
Coding change: c.*2753T>C on transcript NM_001354604.2 (MANE Select); 2753 bases downstream of the stop codon, T replaced by C.
Molecular consequence: 3 prime UTR variant.
Genome position (GRCh38, 1-based): chr3:69,968,001, T>C. VCF-style: chr3-69968001-T-C. GRCh37 (hg19) VCF-style: chr3-70017152-T-C.
Other names: c.*2753T>C (NM_000248.4, NM_001184967.2, NM_001354605.2 and 8 more transcripts).
Identifiers: ClinVar variation 346541 (VCV000346541.7), dbSNP rs886058819, ClinGen allele CA10617356.